The following is an entry in ClinVar:

NM_006922.4(SCN3A):c.56G>C (p.Arg19Thr)

Gene: SCN3A (sodium voltage-gated channel alpha subunit 3; minus strand). Cytogenetic location: 2q24.3.
Variant type: single nucleotide variant.
Coding change: c.56G>C on transcript NM_006922.4 (MANE Select); coding-DNA position 56, G replaced by C.
Protein change: p.Arg19Thr; replaces arginine 19 with threonine.
Molecular consequence: missense variant.
Genome position (GRCh38, 1-based): chr2:165,176,339, C>G on the plus strand (G>C on the coding strand, the complement: SCN3A is on the minus strand). VCF-style: chr2-165176339-C-G. GRCh37 (hg19) VCF-style: chr2-166032849-C-G.
Other names: c.56G>C, p.Arg19Thr (NM_001081676.2, NM_001081677.2); short protein forms R19T.
Identifiers: ClinVar variation 3343380 (VCV003343380.2).

ClinVar aggregate classification (germline): Uncertain significance (1 of 4 stars; one submission).

Submission:

GeneDx
Classification: Uncertain significance. Last evaluated: 2025-09-16. Review status: criteria provided, single submitter. Criteria: GeneDx Variant Classification Process June 2021. Collection method: clinical testing. Allele origin: germline.
Comment: Not observed at significant frequency in large population cohorts (gnomAD); In silico analysis supports that this missense variant has a deleterious effect on protein structure/function; Has not been previously published as pathogenic or benign to our knowledge; In silico analysis suggests this variant may impact gene splicing. In the absence of RNA/functional studies, the actual effect of this sequence change is unknown.